The following is an entry in ClinVar:

ClinVar aggregate classification (germline): Uncertain significance (1 of 4 stars; one submission).

Conditions:
MEGF10-related myopathy (CMYO10A). Also called: Congenital myopathy 10A, severe variant. Identifiers: Orphanet 439212, MedGen C3280679, MONDO:0013731, OMIM 614399.

gnomAD v4.1: 1 of 1,612,982 alleles (0.000062%); highest among the groups gnomAD compares: South Asian, 0.0011%; no homozygotes.

Submission:

Labcorp Genetics (formerly Invitae), Labcorp
Classification: Uncertain significance for MEGF10-related myopathy. Last evaluated: 2020-01-19. Review status: criteria provided, single submitter. Criteria: Invitae Variant Classification Sherloc (09022015). Collection method: clinical testing. Allele origin: germline.
Comment: This sequence change replaces glycine with arginine at codon 165 of the MEGF10 protein (p.Gly165Arg). The glycine residue is highly conserved and there is a moderate physicochemical difference between glycine and arginine. This variant is not present in population databases (ExAC no frequency). This variant has not been reported in the literature in individuals with MEGF10-related conditions. Algorithms developed to predict the effect of missense changes on protein structure and function (SIFT, PolyPhen-2, Align-GVGD) all suggest that this variant is likely to be disruptive, but these predictions have not been confirmed by published functional studies and their clinical significance is uncertain. In summary, the available evidence is currently insufficient to determine the role of this variant in disease. Therefore, it has been classified as a Variant of Uncertain Significance.

NM_001256545.2(MEGF10):c.493G>C (p.Gly165Arg)

Gene: MEGF10 (multiple EGF like domains 10; plus strand). Cytogenetic location: 5q23.2.
Variant type: single nucleotide variant.
Coding change: c.493G>C on transcript NM_001256545.2 (MANE Select); coding-DNA position 493, G replaced by C.
Protein change: p.Gly165Arg; replaces glycine 165 with arginine.
Molecular consequence: missense variant.
Genome position (GRCh38, 1-based): chr5:127,396,612, G>C. VCF-style: chr5-127396612-G-C. GRCh37 (hg19) VCF-style: chr5-126732304-G-C.
Other names: c.493G>C, p.Gly165Arg (NM_001308119.2, NM_001308121.2, NM_032446.3); short protein forms G165R.
Identifiers: ClinVar variation 843368 (VCV000843368.10), dbSNP rs765084824, ClinGen allele CA360718271.